The following is an entry in ClinVar:

ClinVar aggregate classification (germline): Uncertain significance (1 of 4 stars; one submission).

Conditions:
Mucopolysaccharidosis, MPS-III-B (MPS3B). Also called: MPS IIIB (Sanfilippo Syndrome Type B); N-ACETYL-ALPHA-D-GLUCOSAMINIDASE DEFICIENCY; NAGLU DEFICIENCY; SANFILIPPO SYNDROME B; MPS III B; Mucopolysaccharidosis type IIIB (Sanfilippo B). Identifiers: Orphanet 79270, MedGen C0086648, MONDO:0009656, OMIM 252920.

Submission:

Diagnostics Services (NGS), CSIR - Centre For Cellular And Molecular Biology
Classification: Uncertain significance for Mucopolysaccharidosis, MPS-III-B. Last evaluated: 2026-02-02. Review status: criteria provided, single submitter. Criteria: ACMG Guidelines, 2015. Collection method: clinical testing. Allele origin: germline. Affected: yes. Observed: 1 variant allele, 1 homozygote.
Comment: The c.1253G>A variant is not present in publicly available population databases like 1000 Genomes, EVS, gnomAD, Indian Exome Database or in our internal database. This variant has neither been published in the literature for NAGLU-related conditions nor reported to clinical databases like Human Genome Mutation Database (HGMD), ClinVar or OMIM in any affected individuals. In-silico pathogenicity prediction programs like SIFT, Polephen-2, MutationTaster2, CADD, Franklin etc predicted this variant to be likely deleterious, however these predictions were not confirmed by published functional studies. This variant is present in a mutational hotspot region of the gene.

NM_000263.4(NAGLU):c.1253G>A (p.Gly418Glu)

Gene: NAGLU (N-acetyl-alpha-glucosaminidase; plus strand). Cytogenetic location: 17q21.2.
Variant type: single nucleotide variant.
Coding change: c.1253G>A on transcript NM_000263.4 (MANE Select); coding-DNA position 1253, G replaced by A.
Protein change: p.Gly418Glu; replaces glycine 418 with glutamic acid.
Molecular consequence: missense variant.
Genome position (GRCh38, 1-based): chr17:42,543,259, G>A. VCF-style: chr17-42543259-G-A. GRCh37 (hg19) VCF-style: chr17-40695277-G-A.
Other names: short protein forms G418E.
Identifiers: ClinVar variation 4849685 (VCV004849685.1).